The following is an entry in ClinVar:

ClinVar aggregate classification (germline): Uncertain significance (1 of 4 stars; one submission).

Conditions:
Long QT syndrome (LQTS). Identifiers: MedGen C0023976, MeSH D008133, MONDO:0002442. Disease mechanism: loss of function. Inheritance: Various modes of inheritance.

gnomAD v4.1: 1 of 1,612,906 alleles (0.000062%); highest among the groups gnomAD compares: Non-Finnish European, 0.000085%; no homozygotes.

Submission:

Labcorp Genetics (formerly Invitae), Labcorp
Classification: Uncertain significance for Long QT syndrome. Last evaluated: 2021-04-20. Review status: criteria provided, single submitter. Criteria: Invitae Variant Classification Sherloc (09022015). Collection method: clinical testing. Allele origin: germline.
Comment: This sequence change replaces glycine with arginine at codon 245 of the KCNQ1 protein (p.Gly245Arg). The glycine residue is highly conserved and there is a moderate physicochemical difference between glycine and arginine. This variant is not present in population databases (ExAC no frequency). This variant has not been reported in the literature in individuals with KCNQ1-related conditions. ClinVar contains an entry for this variant (Variation ID: 950580). Experimental studies have shown that this variant affects KCNQ1 protein function (PMID: 30571187). In summary, the available evidence is currently insufficient to determine the role of this variant in disease. Therefore, it has been classified as a Variant of Uncertain Significance.

Literature cited by the submitters: PubMed 30571187.

NM_000218.3(KCNQ1):c.733G>A (p.Gly245Arg)

Gene: KCNQ1 (potassium voltage-gated channel subfamily Q member 1; plus strand). Cytogenetic location: 11p15.5.
Variant type: single nucleotide variant.
Coding change: c.733G>A on transcript NM_000218.3 (MANE Select); coding-DNA position 733, G replaced by A.
Protein change: p.Gly245Arg; replaces glycine 245 with arginine.
Molecular consequence: missense variant.
Genome position (GRCh38, 1-based): chr11:2,572,062, G>A. VCF-style: chr11-2572062-G-A. GRCh37 (hg19) VCF-style: chr11-2593292-G-A.
Other names: c.733G>A, p.Gly245Arg (NM_001406836.1); c.463G>A, p.Gly155Arg (NM_001406837.1); c.352G>A, p.Gly118Arg (NM_181798.2); short protein forms G245R, G118R, G155R.
Identifiers: ClinVar variation 950580 (VCV000950580.11), dbSNP rs1060500628, ClinGen allele CA379130984.